The following is an entry in ClinVar:

NM_000159.4(GCDH):c.885C>A (p.Tyr295Ter)

Gene: GCDH (glutaryl-CoA dehydrogenase; plus strand). Cytogenetic location: 19p13.13.
Variant type: single nucleotide variant.
Coding change: c.885C>A on transcript NM_000159.4 (MANE Select); coding-DNA position 885, C replaced by A.
Protein change: p.Tyr295Ter; replaces tyrosine 295 with a stop codon.
Molecular consequence: nonsense. On other transcripts: non-coding transcript variant (2).
Genome position (GRCh38, 1-based): chr19:12,896,942, C>A. VCF-style: chr19-12896942-C-A. GRCh37 (hg19) VCF-style: chr19-13007756-C-A.
Other names: c.885C>A, p.Tyr295Ter (NM_013976.5); short protein forms Y295*.
Identifiers: ClinVar variation 944475 (VCV000944475.9), dbSNP rs139192015, ClinGen allele CA404319376.

ClinVar aggregate classification (germline): Pathogenic/Likely pathogenic. Review status: criteria provided, multiple submitters, no conflicts (2 of 4 stars). 2 submissions from 2 submitters: Pathogenic (1); Likely pathogenic (1). Last evaluated 2023-10-02.

Conditions:
Glutaric aciduria, type 1. Also called: Glutaricaciduria, type I; GA I; Glutaric acidemia type I; Glutaric Acidemia Type 1; Glutaryl-CoA dehydrogenase deficiency; Glutaricacidemia Type 1. Identifiers: Orphanet 25, MedGen C0268595, MONDO:0009281, OMIM 231670.

Submissions (2):

Baylor Genetics
Classification: Likely pathogenic for Glutaric aciduria, type 1. Last evaluated: 2023-10-02. Review status: criteria provided, single submitter. Criteria: ACMG Guidelines, 2015. Collection method: clinical testing. Allele origin: unknown.

Labcorp Genetics (formerly Invitae), Labcorp
Classification: Pathogenic for Glutaric aciduria, type 1. Last evaluated: 2023-06-14. Review status: criteria provided, single submitter. Criteria: Invitae Variant Classification Sherloc (09022015). Collection method: clinical testing. Allele origin: germline.
Comment: This variant is not present in population databases (gnomAD no frequency). This sequence change creates a premature translational stop signal (p.Tyr295*) in the GCDH gene. It is expected to result in an absent or disrupted protein product. Loss-of-function variants in GCDH are known to be pathogenic (PMID: 10699052, 11854167, 16602100). This variant has not been reported in the literature in individuals affected with GCDH-related conditions. ClinVar contains an entry for this variant (Variation ID: 944475). For these reasons, this variant has been classified as Pathogenic.

Literature cited by the submitters: PubMed 10699052 (cited by Labcorp Genetics (formerly Invitae), Labcorp); PubMed 11854167 (cited by Labcorp Genetics (formerly Invitae), Labcorp); PubMed 16602100 (cited by Labcorp Genetics (formerly Invitae), Labcorp).